The following is an entry in ClinVar:

ClinVar aggregate classification (germline): Uncertain significance (1 of 4 stars; one submission).

gnomAD v4.1: 3 of 1,549,368 alleles (0.00019%); highest among the groups gnomAD compares: African/African-American, 0.0014%; no homozygotes.

Submission:

Labcorp Genetics (formerly Invitae), Labcorp
Classification: Uncertain significance. Last evaluated: 2023-12-04. Review status: criteria provided, single submitter. Criteria: Invitae Variant Classification Sherloc (09022015). Collection method: clinical testing. Allele origin: germline.
Comment: This sequence change replaces serine, which is neutral and polar, with asparagine, which is neutral and polar, at codon 220 of the TCF3 protein (p.Ser220Asn). This variant is not present in population databases (gnomAD no frequency). This variant has not been reported in the literature in individuals affected with TCF3-related conditions. Algorithms developed to predict the effect of missense changes on protein structure and function output the following: SIFT: "Not Available"; PolyPhen-2: "Benign"; Align-GVGD: "Not Available". The asparagine amino acid residue is found in multiple mammalian species, which suggests that this missense change does not adversely affect protein function. In summary, the available evidence is currently insufficient to determine the role of this variant in disease. Therefore, it has been classified as a Variant of Uncertain Significance.

NM_003200.5(TCF3):c.659G>A (p.Ser220Asn)

Gene: TCF3 (transcription factor 3; minus strand). Cytogenetic location: 19p13.3.
Variant type: single nucleotide variant.
Coding change: c.659G>A on transcript NM_003200.5 (MANE Select); coding-DNA position 659, G replaced by A.
Protein change: p.Ser220Asn; replaces serine 220 with asparagine.
Molecular consequence: missense variant.
Genome position (GRCh38, 1-based): chr19:1,622,217, C>T on the plus strand (G>A on the coding strand, the complement: TCF3 is on the minus strand). VCF-style: chr19-1622217-C-T. GRCh37 (hg19) VCF-style: chr19-1622216-C-T.
Other names: c.659G>A, p.Ser220Asn (NM_001136139.4, NM_001351778.2, NM_001351779.2); short protein forms S220N.
Identifiers: ClinVar variation 2699036 (VCV002699036.3), dbSNP rs1372512800, ClinGen allele CA403056009.
Genomic context (GRCh38, chr19:1,622,217, plus strand): 5'-AGCATGGGCCCGAAGCCCGCCTGGCCCGGGGGACTCCAGAGCTCGGCTGAGGGGTGCAGG[C>T]TGCCATCTGTGGAGGGGAGCTGGTAAGGTGGGGGCCGAGTGGGGAACCCCAGCCCTGCCC-3'
Protein context (NP_003191.1, residues 210-230): YPAPFYVADG[Ser220Asn]LHPSAELWSP